The following is an entry in ClinVar:

ClinVar aggregate classification (germline): Uncertain significance. Review status: criteria provided, multiple submitters, no conflicts (2 of 4 stars). 3 submissions from 3 submitters: Uncertain significance (2). 1 of the submissions does not count toward it. Last evaluated 2021-09-02.

Conditions:
Primary ciliary dyskinesia 3. Identifiers: Orphanet 244, MedGen C1837618, MONDO:0012085, OMIM 608644.
Primary ciliary dyskinesia. Also called: Ciliary dyskinesia. Identifiers: Orphanet 244, MedGen C0008780, MONDO:0016575, HP:0012265.

Allele frequency attached by ClinVar (database versions not stated): ExAC 0.00001; 1000 Genomes Project 30x 0.00016.

Submissions (3):

Labcorp Genetics (formerly Invitae), Labcorp
Classification: Uncertain significance for Primary ciliary dyskinesia. Last evaluated: 2021-09-02. Review status: criteria provided, single submitter. Criteria: Invitae Variant Classification Sherloc (09022015). Collection method: clinical testing. Allele origin: germline.
Comment: This sequence change replaces arginine with histidine at codon 2771 of the DNAH5 protein (p.Arg2771His). The arginine residue is highly conserved and there is a small physicochemical difference between arginine and histidine. This variant is present in population databases (rs199643592, ExAC 0.006%). This missense change has been observed in individual(s) with clinical features of DNAH5-related disease (Invitae). In at least one individual the data is consistent with the variant being in trans (on the opposite chromosome) from a pathogenic variant. Algorithms developed to predict the effect of missense changes on protein structure and function are either unavailable or do not agree on the potential impact of this missense change (SIFT: "Deleterious"; PolyPhen-2: "Possibly Damaging"; Align-GVGD: "Class C0"). In summary, the available evidence is currently insufficient to determine the role of this variant in disease. Therefore, it has been classified as a Variant of Uncertain Significance.

Ambry Genetics
Classification: Uncertain significance for Primary ciliary dyskinesia. Last evaluated: 2016-01-11. Review status: criteria provided, single submitter. Criteria: Ambry Variant Classification Scheme 2023. Collection method: clinical testing. Allele origin: germline.
Comment: The p.R2771H variant (also known as c.8312G>A), located in coding exon 50 of the DNAH5 gene, results from a G to A substitution at nucleotide position 8312. The arginine at codon 2771 is replaced by histidine, an amino acid with highly similar properties. This variant was not reported in population based cohorts in the following databases: Database of Single Nucleotide Polymorphisms (dbSNP), NHLBI Exome Sequencing Project (ESP), and 1000 Genomes Project. In the ESP, this variant was not observed in 6503 samples (13006 alleles) with coverage at this position. This amino acid position is highly conserved in available vertebrate species. In addition, the in silico prediction for this alteration is inconclusive. Since supporting evidence is limited at this time, the clinical significance of this variant remains unclear.

Counsyl
Classification: Uncertain significance for Primary ciliary dyskinesia 3. Last evaluated: 2017-10-16. Review status: no assertion criteria provided. Collection method: clinical testing. Allele origin: unknown. Not counted in ClinVar's aggregate classification.

NM_001369.3(DNAH5):c.8312G>A (p.Arg2771His)

Gene: DNAH5 (dynein axonemal heavy chain 5; minus strand). Cytogenetic location: 5p15.2.
Variant type: single nucleotide variant.
Coding change: c.8312G>A on transcript NM_001369.3 (MANE Select); coding-DNA position 8312, G replaced by A.
Protein change: p.Arg2771His; replaces arginine 2771 with histidine.
Molecular consequence: missense variant.
Genome position (GRCh38, 1-based): chr5:13,792,130, C>T on the plus strand (G>A on the coding strand, the complement: DNAH5 is on the minus strand). VCF-style: chr5-13792130-C-T. GRCh37 (hg19) VCF-style: chr5-13792239-C-T.
Other names: short protein forms R2771H.
Identifiers: ClinVar variation 407215 (VCV000407215.10), dbSNP rs199643592, ClinGen allele CA3202845.